The following is an entry in ClinVar:

ClinVar aggregate classification (germline): Uncertain significance (1 of 4 stars; one submission).

Conditions:
Combined immunodeficiency due to DOCK8 deficiency (HIES2). Also called: HIES autosomal recessive; Hyper-IgE recurrent infection syndrome, autosomal recessive; HYPER-IgE RECURRENT INFECTION SYNDROME 2, AUTOSOMAL RECESSIVE; HYPER-IgE SYNDROME 2, AUTOSOMAL RECESSIVE, WITH RECURRENT INFECTIONS; DOCK8 Deficiency. Identifiers: Orphanet 217390, MedGen C4722305, MONDO:0009478, OMIM 243700.

Submission:

Labcorp Genetics (formerly Invitae), Labcorp
Classification: Uncertain significance for Combined immunodeficiency due to DOCK8 deficiency. Last evaluated: 2023-03-20. Review status: criteria provided, single submitter. Criteria: Invitae Variant Classification Sherloc (09022015). Collection method: clinical testing. Allele origin: germline.
Comment: This variant is not present in population databases (gnomAD no frequency). In summary, the available evidence is currently insufficient to determine the role of this variant in disease. Therefore, it has been classified as a Variant of Uncertain Significance. Advanced modeling of protein sequence and biophysical properties (such as structural, functional, and spatial information, amino acid conservation, physicochemical variation, residue mobility, and thermodynamic stability) performed at Invitae indicates that this missense variant is not expected to disrupt DOCK8 protein function. This variant has not been reported in the literature in individuals affected with DOCK8-related conditions. This sequence change replaces alanine, which is neutral and non-polar, with valine, which is neutral and non-polar, at codon 594 of the DOCK8 protein (p.Ala594Val).

NM_203447.4(DOCK8):c.1781C>T (p.Ala594Val)

Gene: DOCK8 (dedicator of cytokinesis 8; plus strand). Cytogenetic location: 9p24.3.
Variant type: single nucleotide variant.
Coding change: c.1781C>T on transcript NM_203447.4 (MANE Select); coding-DNA position 1781, C replaced by T.
Protein change: p.Ala594Val; replaces alanine 594 with valine.
Molecular consequence: missense variant.
Genome position (GRCh38, 1-based): chr9:368,119, C>T. VCF-style: chr9-368119-C-T. GRCh37 (hg19) VCF-style: chr9-368119-C-T.
Other names: c.1577C>T, p.Ala526Val (NM_001190458.2, NM_001193536.2); short protein forms A526V, A594V.
Identifiers: ClinVar variation 2847997 (VCV002847997.3), dbSNP rs2538258141, ClinGen allele CA372759678.